The following is an entry in ClinVar:

ClinVar aggregate classification (germline): Conflicting classifications of pathogenicity. Review status: criteria provided, conflicting classifications (1 of 4 stars). 2 submissions from 2 submitters: Uncertain significance (1); Likely benign (1). Last evaluated 2026-03-13.

Conditions:
Cardiovascular phenotype. Identifiers: MedGen CN230736.

gnomAD v4.1: 8 of 1,592,568 alleles (0.0005%); highest among the groups gnomAD compares: Middle Eastern, 0.017%; no homozygotes.

Submissions (2):

Ambry Genetics
Classification: Uncertain significance for Cardiovascular phenotype. Last evaluated: 2026-03-13. Review status: criteria provided, single submitter. Criteria: Ambry Variant Classification Scheme 2023. Collection method: clinical testing. Allele origin: germline.
Comment: The c.1031-5A>T intronic variant results from an A to T substitution 5 nucleotides upstream from coding exon 10 in the PRDM5 gene. This nucleotide position is poorly conserved in available vertebrate species. In silico splice site analysis predicts that this alteration will not have any significant effect on splicing. Based on the available evidence, the clinical significance of this variant remains unclear.

Labcorp Genetics (formerly Invitae), Labcorp
Classification: Likely benign. Last evaluated: 2025-11-13. Review status: criteria provided, single submitter. Criteria: Invitae Variant Classification Sherloc (09022015). Collection method: clinical testing. Allele origin: germline.

NM_018699.4(PRDM5):c.1031-5A>T

Gene: PRDM5 (PR/SET domain 5; minus strand). Cytogenetic location: 4q27.
Variant type: single nucleotide variant.
Coding change: c.1031-5A>T on transcript NM_018699.4 (MANE Select); 5 bases into the intron before coding-DNA position 1031, A replaced by T.
Molecular consequence: intron variant. On other transcripts: missense variant (1).
Genome position (GRCh38, 1-based): chr4:120,798,429, T>A on the plus strand (A>T on the coding strand, the complement: PRDM5 is on the minus strand). VCF-style: chr4-120798429-T-A. GRCh37 (hg19) VCF-style: chr4-121719584-T-A.
Other names: c.1031-5A>T (NM_018699.2); c.1059A>T, p.Leu353Phe (NM_001379104.1); c.938-5A>T (NM_001300824.2, NM_001379106.1, NM_001300823.2); short protein forms L353F.
Identifiers: ClinVar variation 3631967 (VCV003631967.3).